The following continues an entry in ClinVar:

NM_007294.4(BRCA1):c.135-1G>T

Gene: BRCA1. ClinVar aggregate classification (germline): Pathogenic. Pathogenic (1).

Submissions 19 to 22 of 22:

Sharing Clinical Reports Project (SCRP)
Classification: Pathogenic for Breast-ovarian cancer, familial 1. Last evaluated: 2012-05-21. Review status: no assertion criteria provided. Collection method: clinical testing. Allele origin: germline. Not counted in ClinVar's aggregate classification.

Breast Cancer Information Core (BIC) (BRCA1)
No classification provided. Condition: Breast-ovarian cancer, familial 1. Review status: no classification provided. Collection method: clinical testing. Allele origin: germline. Affected: yes. Observed: 37 variant alleles. Not counted in ClinVar's aggregate classification.

Brotman Baty Institute, University of Washington
No classification provided (evidence only). Condition: Breast-ovarian cancer, familial 1. Review status: no classification provided. Collection method: in vitro. Allele origin: not applicable. Functional consequence: functionally_abnormal. Not counted in ClinVar's aggregate classification.
ClinVar note: "not provided" was previously submitted as the classification for the variant. However, the classification appeared to be based only on an observation of functional data so it was converted to no classification on 2025-07-30.

Department of Pathology and Laboratory Medicine, Sinai Health System
Classification: Pathogenic for Malignant tumor of breast. Review status: no assertion criteria provided. Collection method: clinical testing. Allele origin: unknown. Affected: yes. Study: The Canadian Open Genetics Repository (COGR). Not counted in ClinVar's aggregate classification.
Comment: The BRCA1 c.135-1G>T variant has been shown to give rise to an in-frame deletion of exon 5 (BRCA1 c.135_212del) that is predicted to encode 26 amino acids. One study used the multifactorial likelihood analysis and variant segregation in families by Bayes analysis to evaluate the clinical significance of this variant. The Bayes scores from a single family with BRCA1 c.135-1G>T was 9528:1, providing strong evidence of causality for this variant; in addition, inclusion of pathology features gave an overall likelihood of causality of 28108:1 (Spurdle_2010). The variant was identified in dbSNP (ID: rs80358158) as â€šÃ„ÃºWith Pathogenic alleleâ€šÃ„Ã¹ and in the Clinvitae and Clinvar databases as pathogenic by Ambry Genetics; GeneDx; Quest Diagnostics Nichols Institute San Juan Capistrano; Consortium of Investigators of Modifiers of BRCA1/2, University of Cambridge and SCRP. The variant was further identified in ARUP Laboratories BRCA Mutations Database as definitely pathogenic and in the Fanconi Anemia Mutation Database (LOVD), which refer to the multifactorial likelihood score of 28108:1. The variant was not identified in the COSMIC, GeneInsight COGR, UMD, and the BIC databases. In addition, the variant was identified in the the Exome Aggregation Consortium database (August 8th 2016) in 1 of 111484 chromosomes (freq. 0.000009) in the European (Non-Finnish) population but not seen in the African, East Asian, European (Finnish), Latino and South Asian populations. The variant was not identified in the 1000 Genomes Project, the NHLBI GO Exome Sequencing Project, and the genome Aggregation Database (beta, October 19th 2016. The c.135-1G>T variant is predicted to cause abnormal splicing because the nucleotide substitution occurs in the invariant region of the splice consensus sequence. In addition, 5 of 5 in silico or computational prediction software programs (SpliceSiteFinder, MaxEntScan, NNSPLICE, GeneSplicer, HumanSpliceFinder) predict a greater than 10% difference in splicing. In summary, based on the above information, this variant meets our laboratoryâ€šÃ„Ã´s criteria to be classified as pathogenic.

Literature cited by the submitters: PubMed 9333265 (cited by 5 submitters); PubMed 11179017 (cited by 6 submitters); PubMed 16211554 (cited by 8 submitters); PubMed 18445692 (cited by 6 submitters); PubMed 20020529 (cited by 6 submitters); PubMed 26187060 (cited by Labcorp Genetics (formerly Invitae), Labcorp and Quest Diagnostics Nichols Institute San Juan Capistrano); PubMed 24212087 (cited by 3 submitters); PubMed 7894491 (cited by Labcorp Genetics (formerly Invitae), Labcorp); PubMed 11320250 (cited by Labcorp Genetics (formerly Invitae), Labcorp); PubMed 15131401 (cited by Labcorp Genetics (formerly Invitae), Labcorp); PubMed 23867111 (cited by Labcorp Genetics (formerly Invitae), Labcorp); PubMed 24516540 (cited by Labcorp Genetics (formerly Invitae), Labcorp); PubMed 26246475 (cited by Labcorp Genetics (formerly Invitae), Labcorp); PubMed 27257965 (cited by Labcorp Genetics (formerly Invitae), Labcorp); PubMed 29446198 (cited by Labcorp Genetics (formerly Invitae), Labcorp); PubMed 36451132 (cited by Quest Diagnostics Nichols Institute San Juan Capistrano); PubMed 32885271 (cited by Quest Diagnostics Nichols Institute San Juan Capistrano); PubMed 35464868 (cited by Quest Diagnostics Nichols Institute San Juan Capistrano); PubMed 30101128 (cited by 4 submitters); PubMed 31131967 (cited by 3 submitters); PubMed 30209399 (cited by 4 submitters); PubMed 25452441 (cited by 4 submitters); PubMed 21324516 (cited by 4 submitters); PubMed 18824701 (cited by Quest Diagnostics Nichols Institute San Juan Capistrano and Women's Health and Genetics/Laboratory Corporation of America, LabCorp); PubMed 26295337 (cited by Quest Diagnostics Nichols Institute San Juan Capistrano); PubMed 22737296 (cited by All of Us Research Program, National Institutes of Health and Color Diagnostics, LLC DBA Color Health); PubMed 33471991 (cited by All of Us Research Program, National Institutes of Health and Color Diagnostics, LLC DBA Color Health); PubMed 16998791 (cited by Ambry Genetics); DOI 10.3389/fgene.2022.834265 (cited by National Health Laboratory Service, Universitas Academic Hospital and University of the Free State); PubMed 27553291 (cited by Laboratory for Molecular Medicine, Mass General Brigham Personalized Medicine); PubMed 16267036 (cited by Women's Health and Genetics/Laboratory Corporation of America, LabCorp); PubMed 21702907 (cited by Women's Health and Genetics/Laboratory Corporation of America, LabCorp); PubMed 16528604 (cited by Women's Health and Genetics/Laboratory Corporation of America, LabCorp and Counsyl).